The following is an entry in ClinVar:

ClinVar aggregate classification (germline): Conflicting classifications of pathogenicity. Review status: criteria provided, conflicting classifications (1 of 4 stars). 6 submissions from 6 submitters: Uncertain significance (4); Likely benign (1). 1 of the submissions does not count toward it. Last evaluated 2025-02-20.

Conditions:
Inborn genetic diseases. Identifiers: MedGen C0950123, MeSH D030342.
Nemaline myopathy 2 (NEM2). Also called: Nemaline myopathy 2, autosomal recessive. Identifiers: MedGen C1850569, MONDO:0009725, OMIM 256030.

Allele frequency attached by ClinVar (database versions not stated): ExAC 0.00001; gnomAD exomes 0.00002 and 0.00005; gnomAD 0.00003; TOPMed 0.00007; ESP Exome Variant Server 0.00017.

Submissions (6):

Labcorp Genetics (formerly Invitae), Labcorp
Classification: Likely benign for Nemaline myopathy 2. Last evaluated: 2025-02-20. Review status: criteria provided, single submitter. Criteria: Invitae Variant Classification Sherloc (09022015). Collection method: clinical testing. Allele origin: germline.

Ambry Genetics
Classification: Uncertain significance for Inborn genetic diseases. Last evaluated: 2023-05-04. Review status: criteria provided, single submitter. Criteria: Ambry Variant Classification Scheme 2023. Collection method: clinical testing. Allele origin: germline.

Revvity Omics, Revvity
Classification: Uncertain significance. Last evaluated: 2023-04-11. Review status: criteria provided, single submitter. Criteria: ACMG Guidelines, 2015. Collection method: clinical testing. Allele origin: germline.

GeneDx
Classification: Uncertain significance. Last evaluated: 2021-09-15. Review status: criteria provided, single submitter. Criteria: GeneDx Variant Classification Process June 2021. Collection method: clinical testing. Allele origin: germline. Affected: yes.
Comment: Not observed at significant frequency in large population cohorts (Lek et al., 2016); In silico analysis supports that this missense variant does not alter protein structure/function; Has not been previously published as pathogenic or benign to our knowledge

Illumina Laboratory Services, Illumina
Classification: Uncertain significance for Nemaline myopathy 2. Last evaluated: 2018-01-12. Review status: criteria provided, single submitter. Criteria: ICSL Variant Classification Criteria 13 December 2019. Collection method: clinical testing. Allele origin: germline.

Natera, Inc.
Classification: Uncertain significance for Nemaline myopathy type 2. Last evaluated: 2020-09-16. Review status: no assertion criteria provided. Collection method: clinical testing. Allele origin: germline. Not counted in ClinVar's aggregate classification.

NM_001164508.2(NEB):c.5854A>G (p.Met1952Val)

Gene: NEB (nebulin; minus strand). Cytogenetic location: 2q23.3.
Variant type: single nucleotide variant.
Coding change: c.5854A>G on transcript NM_001164508.2 (MANE Select); coding-DNA position 5854, A replaced by G.
Protein change: p.Met1952Val; replaces methionine 1952 with valine.
Molecular consequence: missense variant.
Genome position (GRCh38, 1-based): chr2:151,662,251, T>C on the plus strand (A>G on the coding strand, the complement: NEB is on the minus strand). VCF-style: chr2-151662251-T-C. GRCh37 (hg19) VCF-style: chr2-152518765-T-C.
Other names: c.5854A>G, p.Met1952Val (NM_001164507.2, NM_001271208.2, NM_004543.5); short protein forms M1952V.
Identifiers: ClinVar variation 331501 (VCV000331501.17), dbSNP rs200649387, ClinGen allele CA1910254.